The following is an entry in ClinVar:

NM_001148.6(ANK2):c.3366C>T (p.Asn1122=)

Gene: ANK2 (ankyrin 2; plus strand). Cytogenetic location: 4q26.
Variant type: single nucleotide variant.
Coding change: c.3366C>T on transcript NM_001148.6 (MANE Select); coding-DNA position 3366, C replaced by T.
Protein change: p.Asn1122=; no amino-acid change (asparagine 1122 retained).
Molecular consequence: synonymous variant.
Genome position (GRCh38, 1-based): chr4:113,333,195, C>T. VCF-style: chr4-113333195-C-T. GRCh37 (hg19) VCF-style: chr4-114254351-C-T.
Other names: p.Asn1122=; c.3339C>T, p.Asn1113= (NM_001127493.3); c.3378C>T, p.Asn1126= (NM_001354225.2); c.3267C>T, p.Asn1089= (NM_001354228.2, NM_001354258.2); c.3345C>T, p.Asn1115= (NM_001354230.2); c.3408C>T, p.Asn1136= (NM_001354231.2, NM_001354242.2); c.3402C>T, p.Asn1134= (NM_001354232.2); c.3363C>T, p.Asn1121= (NM_001354235.2, NM_001354246.2, NM_001354265.2); and 30 more.
Identifiers: ClinVar variation 238577 (VCV000238577.57), dbSNP rs114896457, ClinGen allele CA3050823.

ClinVar aggregate classification (germline): Benign/Likely benign. Review status: criteria provided, multiple submitters, no conflicts (2 of 4 stars). 14 submissions from 14 submitters: Benign (8); Likely benign (3). 3 of the submissions do not count toward it. Last evaluated 2026-02-01.

Conditions:
Cardiovascular phenotype. Identifiers: MedGen CN230736.
Long QT syndrome (LQTS). Identifiers: MedGen C0023976, MeSH D008133, MONDO:0002442. Disease mechanism: loss of function. Inheritance: Various modes of inheritance.
Cardiac arrhythmia, ankyrin-B-related. Also called: ANKYRIN-B SYNDROME. Identifiers: Orphanet 101016, Orphanet 768, MedGen C1970119, MONDO:0010958, OMIM 600919.

Allele frequency attached by ClinVar (database versions not stated): gnomAD exomes 0.00058 and 0.00132; ExAC 0.00139; 1000 Genomes Project 0.00240; gnomAD 0.00251 and 0.00256; ESP Exome Variant Server 0.00269; 1000 Genomes Project 30x 0.00281; TOPMed 0.00288.
gnomAD v4.1: 1,253 of 1,614,006 alleles (0.078%); highest among the groups gnomAD compares: African/African-American, 0.78%; 10 homozygotes.

Submissions (14):

Labcorp Genetics (formerly Invitae), Labcorp
Classification: Benign for Long QT syndrome. Last evaluated: 2026-02-01. Review status: criteria provided, single submitter. Criteria: Invitae Variant Classification Sherloc (09022015). Collection method: clinical testing. Allele origin: germline.

Molecular Diagnostic Laboratory for Inherited Cardiovascular Disease, Montreal Heart Institute
Classification: Benign. Last evaluated: 2025-07-24. Review status: criteria provided, single submitter. Criteria: ACMG Guidelines, 2015. Collection method: clinical testing. Allele origin: germline. Affected: no.

Mayo Clinic Laboratories, Mayo Clinic
Classification: Benign. Last evaluated: 2025-02-12. Review status: criteria provided, single submitter. Criteria: ACMG Guidelines, 2015. Collection method: clinical testing. Allele origin: germline. Observed: 5 variant alleles.
Comment: BS1, BS2, BP4, BP7

Blueprint Genetics
Classification: Likely benign. Last evaluated: 2024-10-21. Review status: criteria provided, single submitter. Criteria: ACMG Guidelines, 2015. Collection method: clinical testing. Allele origin: germline.

CeGaT Center for Human Genetics Tuebingen
Classification: Likely benign. Last evaluated: 2024-09-01. Review status: criteria provided, single submitter. Criteria: CeGaT Center For Human Genetics Tuebingen Variant Classification Criteria Version 2. Collection method: clinical testing. Allele origin: germline. Affected: yes. Observed: 3 variant alleles.
Comment: ANK2: BP4, BP7

Genome-Nilou Lab
Classification: Benign for Cardiac arrhythmia, ankyrin-B-related. Last evaluated: 2021-12-05. Review status: criteria provided, single submitter. Criteria: ACMG Guidelines, 2015. Collection method: clinical testing. Allele origin: germline. Affected: no.

Illumina Laboratory Services, Illumina
Classification: Likely benign for Cardiac arrhythmia, ankyrin-B-related. Last evaluated: 2018-01-13. Review status: criteria provided, single submitter. Criteria: ICSL Variant Classification Criteria 13 December 2019. Collection method: clinical testing. Allele origin: germline.
Comment: This variant was observed in the ICSL laboratory as part of a predisposition screen in an ostensibly healthy population. It had not been previously curated by ICSL or reported in the Human Gene Mutation Database (HGMD: prior to June 1st, 2018), and was therefore a candidate for classification through an automated scoring system. Utilizing variant allele frequency, disease prevalence and penetrance estimates, and inheritance mode, an automated score was calculated to assess if this variant is too frequent to cause the disease. Based on the score and internal cut-off values, a variant classified as likely benign is not then subjected to further curation. The score for this variant resulted in a classification of likely benign for this disease.

ARUP Laboratories, Molecular Genetics and Genomics, ARUP Laboratories
Classification: Benign. Last evaluated: 2017-12-12. Review status: criteria provided, single submitter. Criteria: ARUP Molecular Germline Variant Investigation Process. Collection method: clinical testing. Allele origin: germline.

Ambry Genetics
Classification: Benign for Cardiovascular phenotype. Last evaluated: 2017-01-21. Review status: criteria provided, single submitter. Criteria: Ambry Variant Classification Scheme 2023. Collection method: clinical testing. Allele origin: germline.

Women's Health and Genetics/Laboratory Corporation of America, LabCorp
Classification: Benign. Last evaluated: 2016-04-04. Review status: criteria provided, single submitter. Criteria: LabCorp Variant Classification Summary - May 2015. Collection method: clinical testing. Allele origin: germline.
Comment: Variant Summary: The variant of interest causes a synonymous change involving a non-conserved nucleotide with 5/5 in silico programs via Alamut predicting no significant effect on splicing, although these predictions have yet to be functionally assessed. The variant of interest was observed in the large, broad control population, ExAC, with an allele frequency of 169/121394 (1/718), which significantly exceeds the predicted maximum expected allele frequency for a pathogenic ANK2 variant of 1/100000. The variant of interest has not been reported in affected individuals via publications and/or reputable databases/clinical laboratories, to our knowledge. Therefore, taking into consideration the nature of this variant being a synonymous change and the high frequency in controls, it is classified as Benign.

GeneDx
Classification: Benign. Last evaluated: 2015-03-03. Review status: criteria provided, single submitter. Criteria: GeneDx Variant Classification Process June 2021. Collection method: clinical testing. Allele origin: germline. Affected: yes.

Clinical Genetics, Academic Medical Center
Classification: Benign. Review status: no assertion criteria provided. Collection method: clinical testing. Allele origin: germline. Affected: yes. Study: VKGL Data-share Consensus. Not counted in ClinVar's aggregate classification.

Genome Diagnostics Laboratory, University Medical Center Utrecht
Classification: Benign. Review status: no assertion criteria provided. Collection method: clinical testing. Allele origin: germline. Affected: yes. Study: VKGL Data-share Consensus. Not counted in ClinVar's aggregate classification.

Joint Genome Diagnostic Labs from Nijmegen and Maastricht, Radboudumc and MUMC+
Classification: Benign. Review status: no assertion criteria provided. Collection method: clinical testing. Allele origin: germline. Affected: yes. Study: VKGL Data-share Consensus. Not counted in ClinVar's aggregate classification.